The following is an entry in ClinVar:

NM_003334.4(UBA1):c.2388C>A (p.Val796=)

Gene: UBA1 (ubiquitin like modifier activating enzyme 1; plus strand). Cytogenetic location: Xp11.3.
Variant type: single nucleotide variant.
Coding change: c.2388C>A on transcript NM_003334.4 (MANE Select); coding-DNA position 2388, C replaced by A.
Protein change: p.Val796=; no amino-acid change (valine 796 retained).
Molecular consequence: synonymous variant.
Genome position (GRCh38, 1-based): chrX:47,211,149, C>A. VCF-style: chrX-47211149-C-A. GRCh37 (hg19) VCF-style: chrX-47070548-C-A.
Other names: c.2388C>A, p.Val796= (NM_153280.3).
Identifiers: ClinVar variation 2030824 (VCV002030824.5), dbSNP rs2521622747, ClinGen allele CA515987888.

ClinVar aggregate classification (germline): Uncertain significance (1 of 4 stars; one submission).

Conditions:
Infantile-onset X-linked spinal muscular atrophy. Also called: SPINAL MUSCULAR ATROPHY, X-LINKED LETHAL INFANTILE; Spinal Muscular Atrophy, X-Linked Infantile; AMC, DISTAL, X-LINKED; ARTHROGRYPOSIS, X-LINKED, TYPE I; Spinal muscular atrophy, X-linked 2. Identifiers: Orphanet 1145, MedGen C1844934, MONDO:0010532, OMIM 301830.

Submissions (3):

Labcorp Genetics (formerly Invitae), Labcorp
Classification: Uncertain significance for Infantile-onset X-linked spinal muscular atrophy. Last evaluated: 2022-09-16. Review status: criteria provided, single submitter. Criteria: Invitae Variant Classification Sherloc (09022015). Collection method: clinical testing. Allele origin: germline.
Comment: This sequence change affects codon 796 of the UBA1 mRNA. It is a 'silent' change, meaning that it does not change the encoded amino acid sequence of the UBA1 protein. This variant is not present in population databases (gnomAD no frequency). This variant has not been reported in the literature in individuals affected with UBA1-related conditions. Algorithms developed to predict the effect of sequence changes on RNA splicing suggest that this variant may disrupt the consensus splice site. In summary, the available evidence is currently insufficient to determine the role of this variant in disease. Therefore, it has been classified as a Variant of Uncertain Significance.

Dr. Peter K. Rogan Lab, Western University
No classification provided (evidence only). Condition: Thyroid cancer, nonmedullary, 1. Review status: no classification provided. Collection method: in vitro. Allele origin: not applicable. Functional consequence: skipped exon. Not counted in ClinVar's aggregate classification.

Dr. Peter K. Rogan Lab, Western University
No classification provided (evidence only). Condition: Thyroid cancer, nonmedullary, 1. Review status: no classification provided. Collection method: in vitro. Allele origin: not applicable. Functional consequence: retained intron. Not counted in ClinVar's aggregate classification.